The following is an entry in ClinVar:

NM_030954.4(RNF170):c.290C>T (p.Pro97Leu)

Gene: RNF170 (ring finger protein 170; minus strand). Cytogenetic location: 8p11.21.
Variant type: single nucleotide variant.
Coding change: c.290C>T on transcript NM_030954.4 (MANE Select); coding-DNA position 290, C replaced by T.
Protein change: p.Pro97Leu; replaces proline 97 with leucine.
Molecular consequence: missense variant. On other transcripts: non-coding transcript variant (2).
Genome position (GRCh38, 1-based): chr8:42,870,036, G>A on the plus strand (C>T on the coding strand, the complement: RNF170 is on the minus strand). VCF-style: chr8-42870036-G-A. GRCh37 (hg19) VCF-style: chr8-42725179-G-A.
Other names: c.290C>T, p.Pro97Leu (NM_001160223.2, NM_001160224.2); c.38C>T, p.Pro13Leu (NM_001160225.2); c.290C>T (NM_001160223.1); short protein forms P13L, P97L.
Identifiers: ClinVar variation 3025605 (VCV003025605.23), dbSNP rs200475721, ClinGen allele CA4734918.

ClinVar aggregate classification (germline): Uncertain significance. Review status: criteria provided, multiple submitters, no conflicts (2 of 4 stars). 2 submissions from 2 submitters: Uncertain significance (2). Last evaluated 2025-08-27.

Conditions:
Inborn genetic diseases. Identifiers: MedGen C0950123, MeSH D030342.

Allele frequency attached by ClinVar (database versions not stated): 1000 Genomes Project 30x 0.00016; 1000 Genomes Project 0.00020; gnomAD exomes 0.00004; ExAC 0.00007; ESP Exome Variant Server 0.00008; TOPMed 0.00003; gnomAD 0.00004.
gnomAD v4.1: 60 of 1,614,048 alleles (0.0037%); highest among the groups gnomAD compares: East Asian, 0.013%; no homozygotes.

Submissions (2):

Ambry Genetics
Classification: Uncertain significance for Inborn genetic diseases. Last evaluated: 2025-08-27. Review status: criteria provided, single submitter. Criteria: Ambry Variant Classification Scheme 2023. Collection method: clinical testing. Allele origin: germline.

CeGaT Center for Human Genetics Tuebingen
Classification: Uncertain significance. Last evaluated: 2024-02-01. Review status: criteria provided, single submitter. Criteria: CeGaT Center For Human Genetics Tuebingen Variant Classification Criteria Version 2. Collection method: clinical testing. Allele origin: germline. Affected: yes. Observed: 1 variant allele.
Comment: RNF170: PM2